The following is an entry in ClinVar:

ClinVar aggregate classification (germline): Uncertain significance (1 of 4 stars; one submission).

Conditions:
Ehlers-Danlos syndrome, classic type, 1 (EDSCL1). Also called: Ehlers-Danlos Syndrome, Classic Type, COL5A1-Related; EDS I; Ehlers-Danlos syndrome, type 1; EHLERS-DANLOS SYNDROME, GRAVIS TYPE; EHLERS-DANLOS SYNDROME, SEVERE CLASSIC TYPE. Identifiers: MedGen C0268335, MONDO:0019567, OMIM 130000.

gnomAD v4.1: 5 of 1,610,144 alleles (0.00031%); highest among the groups gnomAD compares: East Asian, 0.011%; no homozygotes.

Submission:

Labcorp Genetics (formerly Invitae), Labcorp
Classification: Uncertain significance for Ehlers-Danlos syndrome, classic type, 1. Last evaluated: 2025-06-15. Review status: criteria provided, single submitter. Criteria: Invitae Variant Classification Sherloc (09022015). Collection method: clinical testing. Allele origin: germline.
Comment: This sequence change replaces glutamine, which is neutral and polar, with histidine, which is basic and polar, at codon 1404 of the COL5A1 protein (p.Gln1404His). This variant is not present in population databases (gnomAD no frequency). This variant has not been reported in the literature in individuals affected with COL5A1-related conditions. ClinVar contains an entry for this variant (Variation ID: 529277). Invitae Evidence Modeling of protein sequence and biophysical properties (such as structural, functional, and spatial information, amino acid conservation, physicochemical variation, residue mobility, and thermodynamic stability) has been performed for this missense variant. However, the output from this modeling did not meet the statistical confidence thresholds required to predict the impact of this variant on COL5A1 protein function. In summary, the available evidence is currently insufficient to determine the role of this variant in disease. Therefore, it has been classified as a Variant of Uncertain Significance.

NM_000093.5(COL5A1):c.4212G>C (p.Gln1404His)

Gene: COL5A1 (collagen type V alpha 1 chain; plus strand). Cytogenetic location: 9q34.3.
Variant type: single nucleotide variant.
Coding change: c.4212G>C on transcript NM_000093.5 (MANE Select); coding-DNA position 4212, G replaced by C.
Protein change: p.Gln1404His; replaces glutamine 1404 with histidine.
Molecular consequence: missense variant.
Genome position (GRCh38, 1-based): chr9:134,817,813, G>C. VCF-style: chr9-134817813-G-C. GRCh37 (hg19) VCF-style: chr9-137709659-G-C.
Other names: c.4212G>C, p.Gln1404His (NM_001278074.1); short protein forms Q1404H.
Identifiers: ClinVar variation 529277 (VCV000529277.12), dbSNP rs1554806295, ClinGen allele CA375456855.
Genomic context (GRCh38, chr9:134,817,813, plus strand): 5'-CCTGCTGTTCTCTTGCTTCTTTCAGGGTCCCCCAGGCCCCGCAGGCCCCGAAGGCAGACA[G>C]GGAGAGAAAGGGGCCAAGGTAACGTGTTTTGGAGCCAGGCTGTGACCGCGTAGACCTCCC-3'
Protein context (NP_000084.3, residues 1394-1414): PPGPAGPEGR[Gln1404His]GEKGAKGEAG